The following is an entry in ClinVar:

ClinVar aggregate classification (germline): Uncertain significance (1 of 4 stars; one submission).

gnomAD v4.1: 2 of 1,209,109 alleles (0.00017%); highest among the groups gnomAD compares: African/African-American, 0.0035%; no homozygotes.

Submission:

Labcorp Genetics (formerly Invitae), Labcorp
Classification: Uncertain significance. Last evaluated: 2024-08-28. Review status: criteria provided, single submitter. Criteria: Invitae Variant Classification Sherloc (09022015). Collection method: clinical testing. Allele origin: germline.
Comment: This sequence change replaces lysine, which is basic and polar, with threonine, which is neutral and polar, at codon 1420 of the HUWE1 protein (p.Lys1420Thr). This variant is present in population databases (no rsID available, gnomAD 0.008%), including at least one homozygous and/or hemizygous individual. This variant has not been reported in the literature in individuals affected with HUWE1-related conditions. Invitae Evidence Modeling of protein sequence and biophysical properties (such as structural, functional, and spatial information, amino acid conservation, physicochemical variation, residue mobility, and thermodynamic stability) has been performed for this missense variant. However, the output from this modeling did not meet the statistical confidence thresholds required to predict the impact of this variant on HUWE1 protein function. In summary, the available evidence is currently insufficient to determine the role of this variant in disease. Therefore, it has been classified as a Variant of Uncertain Significance.

NM_031407.7(HUWE1):c.4259A>C (p.Lys1420Thr)

Gene: HUWE1 (HECT, UBA and WWE domain containing E3 ubiquitin protein ligase 1; minus strand). Cytogenetic location: Xp11.22.
Variant type: single nucleotide variant.
Coding change: c.4259A>C on transcript NM_031407.7 (MANE Select); coding-DNA position 4259, A replaced by C.
Protein change: p.Lys1420Thr; replaces lysine 1420 with threonine.
Molecular consequence: missense variant.
Genome position (GRCh38, 1-based): chrX:53,589,749, T>G on the plus strand (A>C on the coding strand, the complement: HUWE1 is on the minus strand). VCF-style: chrX-53589749-T-G. GRCh37 (hg19) VCF-style: chrX-53616709-T-G.
Other names: short protein forms K1420T.
Identifiers: ClinVar variation 3672229 (VCV003672229.2).